The following is an entry in ClinVar:

ClinVar aggregate classification (germline): Conflicting classifications of pathogenicity. Review status: criteria provided, conflicting classifications (1 of 4 stars). 4 submissions from 4 submitters: Uncertain significance (2); Likely benign (1). 1 of the submissions does not count toward it. Last evaluated 2026-01-06.

Allele frequency attached by ClinVar (database versions not stated): ExAC 0.00016; gnomAD exomes 0.00022 and 0.00057; TOPMed 0.00022; gnomAD 0.00027 and 0.00028; ESP Exome Variant Server 0.00038.
gnomAD v4.1: 847 of 1,613,680 alleles (0.052%); highest among the groups gnomAD compares: Non-Finnish European, 0.07%; 1 homozygote.

Submissions (4):

Labcorp Genetics (formerly Invitae), Labcorp
Classification: Uncertain significance. Last evaluated: 2026-01-06. Review status: criteria provided, single submitter. Criteria: Invitae Variant Classification Sherloc (09022015). Collection method: clinical testing. Allele origin: germline.
Comment: This sequence change falls in intron 8 of the TNNI3K gene. It does not directly change the encoded amino acid sequence of the TNNI3K protein. It affects a nucleotide within the consensus splice site. This variant is present in population databases (rs200118272, gnomAD 0.05%), and has an allele count higher than expected for a pathogenic variant. This variant has been observed in individual(s) with clinical features of dilated cardiomyopathy (internal data). ClinVar contains an entry for this variant (Variation ID: 1048909). Variants that disrupt the consensus splice site are a relatively common cause of aberrant splicing (PMID: 17576681, 9536098). Algorithms developed to predict the effect of sequence changes on RNA splicing suggest that this variant may disrupt the consensus splice site. In summary, the available evidence is currently insufficient to determine the role of this variant in disease. Therefore, it has been classified as a Variant of Uncertain Significance.

Blueprint Genetics
Classification: Likely benign. Last evaluated: 2024-11-21. Review status: criteria provided, single submitter. Criteria: ACMG Guidelines, 2015. Collection method: clinical testing. Allele origin: germline.

Clinical Genetics Laboratory, Skane University Hospital Lund
Classification: Uncertain significance. Last evaluated: 2023-10-26. Review status: criteria provided, single submitter. Criteria: ACMG Guidelines, 2015. Collection method: clinical testing. Allele origin: germline. Affected: yes.

Department of Pathology and Laboratory Medicine, Sinai Health System
Classification: Uncertain significance. Review status: no assertion criteria provided. Collection method: clinical testing. Allele origin: unknown. Affected: yes. Study: The Canadian Open Genetics Repository (COGR). Not counted in ClinVar's aggregate classification.

Literature cited by the submitters: PubMed 17576681 (cited by Labcorp Genetics (formerly Invitae), Labcorp); PubMed 9536098 (cited by Labcorp Genetics (formerly Invitae), Labcorp).

NM_015978.3(TNNI3K):c.827+4A>C

Genes: FPGT-TNNI3K (FPGT-TNNI3K readthrough; plus strand), TNNI3K (TNNI3 interacting kinase; plus strand). Cytogenetic location: 1p31.1.
Variant type: single nucleotide variant.
Coding change: c.827+4A>C on transcript NM_015978.3 (MANE Select); 4 bases into the intron after coding-DNA position 827, A replaced by C.
Molecular consequence: intron variant.
Genome position (GRCh38, 1-based): chr1:74,342,990, A>C. VCF-style: chr1-74342990-A-C. GRCh37 (hg19) VCF-style: chr1-74808674-A-C.
Other names: c.1130+4A>C (NM_001112808.3, NM_001199327.2).
Identifiers: ClinVar variation 1048909 (VCV001048909.9), dbSNP rs200118272, ClinGen allele CA909020.